The following is an entry in ClinVar:

ClinVar aggregate classification (germline): Uncertain significance (1 of 4 stars; one submission).

Submission:

GeneDx
Classification: Uncertain significance. Last evaluated: 2025-03-25. Review status: criteria provided, single submitter. Criteria: GeneDx Variant Classification Process June 2021. Collection method: clinical testing. Allele origin: germline. Affected: yes.
Comment: Not observed at significant frequency in large population cohorts (gnomAD); In silico analysis indicates that this missense variant does not alter protein structure/function; Has not been previously published as pathogenic or benign to our knowledge

NM_001318852.2(MAPK8IP3):c.1901A>G (p.Asp634Gly)

Gene: MAPK8IP3 (mitogen-activated protein kinase 8 interacting protein 3; plus strand). Cytogenetic location: 16p13.3.
Variant type: single nucleotide variant.
Coding change: c.1901A>G on transcript NM_001318852.2 (MANE Select); coding-DNA position 1901, A replaced by G.
Protein change: p.Asp634Gly; replaces aspartic acid 634 with glycine.
Molecular consequence: missense variant.
Genome position (GRCh38, 1-based): chr16:1,763,659, A>G. VCF-style: chr16-1763659-A-G. GRCh37 (hg19) VCF-style: chr16-1813660-A-G.
Other names: c.1880A>G, p.Asp627Gly (NM_001040439.2); c.1898A>G, p.Asp633Gly (NM_015133.5); short protein forms D633G, D627G, D634G.
Identifiers: ClinVar variation 4087923 (VCV004087923.1).